The following is an entry in ClinVar:

ClinVar aggregate classification (germline): Uncertain significance. Review status: criteria provided, multiple submitters, no conflicts (2 of 4 stars). 2 submissions from 2 submitters: Uncertain significance (2). Last evaluated 2025-01-12.

Allele frequency attached by ClinVar (database versions not stated): gnomAD exomes below 0.00001; ExAC 0.00002; 1000 Genomes Project 30x 0.00016; 1000 Genomes Project 0.00020.
gnomAD v4.1: 8 of 1,614,194 alleles (0.0005%); highest among the groups gnomAD compares: East Asian, 0.018%; no homozygotes.

Submissions (2):

Labcorp Genetics (formerly Invitae), Labcorp
Classification: Uncertain significance. Last evaluated: 2025-01-12. Review status: criteria provided, single submitter. Criteria: Invitae Variant Classification Sherloc (09022015). Collection method: clinical testing. Allele origin: germline.
Comment: This sequence change replaces alanine, which is neutral and non-polar, with aspartic acid, which is acidic and polar, at codon 291 of the CETP protein (p.Ala291Asp). This variant is present in population databases (rs200375648, gnomAD 0.04%). This missense change has been observed in individual(s) with elevated HDL cholesterol (PMID: 23685560). ClinVar contains an entry for this variant (Variation ID: 2530842). Invitae Evidence Modeling of protein sequence and biophysical properties (such as structural, functional, and spatial information, amino acid conservation, physicochemical variation, residue mobility, and thermodynamic stability) indicates that this missense variant is expected to disrupt CETP protein function with a positive predictive value of 80%. In summary, the available evidence is currently insufficient to determine the role of this variant in disease. Therefore, it has been classified as a Variant of Uncertain Significance.

Ambry Genetics
Classification: Uncertain significance. Last evaluated: 2023-04-14. Review status: criteria provided, single submitter. Criteria: Ambry Variant Classification Scheme 2023. Collection method: clinical testing. Allele origin: germline.
Comment: Does not currently meet published gene-disease clinical validity criteria Based on insufficient or conflicting evidence, the clinical significance of this alteration remains unclear.

Literature cited by the submitters: PubMed 23685560 (cited by Labcorp Genetics (formerly Invitae), Labcorp); PubMed 28106320 (cited by Ambry Genetics).

NM_000078.3(CETP):c.872C>A (p.Ala291Asp)

Gene: CETP (cholesteryl ester transfer protein; plus strand). Cytogenetic location: 16q13.
Variant type: single nucleotide variant.
Coding change: c.872C>A on transcript NM_000078.3 (MANE Select); coding-DNA position 872, C replaced by A.
Protein change: p.Ala291Asp; replaces alanine 291 with aspartic acid.
Molecular consequence: missense variant. On other transcripts: intron variant (1).
Genome position (GRCh38, 1-based): chr16:56,973,452, C>A. VCF-style: chr16-56973452-C-A. GRCh37 (hg19) VCF-style: chr16-57007364-C-A.
Other names: c.750+1369C>A (NM_001286085.2); short protein forms A291D.
Identifiers: ClinVar variation 2530842 (VCV002530842.4), dbSNP rs200375648, ClinGen allele CA8071130.